The following is an entry in ClinVar:

NM_020778.5(ALPK3):c.1654G>A (p.Val552Ile)

Gene: ALPK3 (alpha kinase 3; plus strand). Cytogenetic location: 15q25.3.
Variant type: single nucleotide variant.
Coding change: c.1654G>A on transcript NM_020778.5 (MANE Select); coding-DNA position 1654, G replaced by A.
Protein change: p.Val552Ile; replaces valine 552 with isoleucine.
Molecular consequence: missense variant.
Genome position (GRCh38, 1-based): chr15:84,856,392, G>A. VCF-style: chr15-84856392-G-A. GRCh37 (hg19) VCF-style: chr15-85399623-G-A.
Other names: short protein forms V552I.
Identifiers: ClinVar variation 3657744 (VCV003657744.2).
Genomic context (GRCh38, chr15:84,856,392, plus strand): 5'-CTGGAAAGAGATCTGAATGTCCATGTAGTTAAATCCTTGCTTTTGTCCCTCTGTTTTCAG[G>A]TCCTGGAATGCCAGACAACCACGGCTCCTACCATGTCGGCCAGCAGCAGCTCTGATGTAG-3'
Protein context (NP_065829.4, residues 542-562): GQAGHRTPGE[Val552Ile]LECQTTTAPT

ClinVar aggregate classification (germline): Uncertain significance (1 of 4 stars; one submission).

Submission:

Labcorp Genetics (formerly Invitae), Labcorp
Classification: Uncertain significance. Last evaluated: 2024-06-25. Review status: criteria provided, single submitter. Criteria: Invitae Variant Classification Sherloc (09022015). Collection method: clinical testing. Allele origin: germline.
Comment: This sequence change replaces valine, which is neutral and non-polar, with isoleucine, which is neutral and non-polar, at codon 754 of the ALPK3 protein (p.Val754Ile). This variant is not present in population databases (gnomAD no frequency). This variant has not been reported in the literature in individuals affected with ALPK3-related conditions. Algorithms developed to predict the effect of missense changes on protein structure and function output the following: SIFT: "Not Available"; PolyPhen-2: "Benign"; Align-GVGD: "Not Available". The isoleucine amino acid residue is found in multiple mammalian species, which suggests that this missense change does not adversely affect protein function. In summary, the available evidence is currently insufficient to determine the role of this variant in disease. Therefore, it has been classified as a Variant of Uncertain Significance.